The following is an entry in ClinVar:

ClinVar aggregate classification (germline): Uncertain significance (1 of 4 stars; one submission).

Allele frequency attached by ClinVar (database versions not stated): gnomAD exomes below 0.00001.
gnomAD v4.1: 1 of 1,614,236 alleles (0.000062%); highest among the groups gnomAD compares: Non-Finnish European, 0.000085%; no homozygotes.

Submission:

Labcorp Genetics (formerly Invitae), Labcorp
Classification: Uncertain significance. Last evaluated: 2023-05-26. Review status: criteria provided, single submitter. Criteria: Invitae Variant Classification Sherloc (09022015). Collection method: clinical testing. Allele origin: germline.
Comment: In summary, the available evidence is currently insufficient to determine the role of this variant in disease. Therefore, it has been classified as a Variant of Uncertain Significance. An algorithm developed to predict the effect of missense changes on protein structure and function (PolyPhen-2) suggests that this variant is likely to be tolerated. This variant has not been reported in the literature in individuals affected with SLCO5A1-related conditions. This variant is present in population databases (no rsID available, gnomAD 0.0009%). This sequence change replaces serine, which is neutral and polar, with phenylalanine, which is neutral and non-polar, at codon 831 of the SLCO5A1 protein (p.Ser831Phe).

NM_030958.3(SLCO5A1):c.2492C>T (p.Ser831Phe)

Gene: SLCO5A1 (solute carrier organic anion transporter family member 5A1; minus strand). Cytogenetic location: 8q13.3.
Variant type: single nucleotide variant.
Coding change: c.2492C>T on transcript NM_030958.3 (MANE Select); coding-DNA position 2492, C replaced by T.
Protein change: p.Ser831Phe; replaces serine 831 with phenylalanine.
Molecular consequence: missense variant. On other transcripts: 3 prime UTR variant (1).
Genome position (GRCh38, 1-based): chr8:69,672,924, G>A on the plus strand (C>T on the coding strand, the complement: SLCO5A1 is on the minus strand). VCF-style: chr8-69672924-G-A. GRCh37 (hg19) VCF-style: chr8-70585159-G-A.
Other names: c.*363C>T (NM_001146008.2); c.2327C>T, p.Ser776Phe (NM_001146009.1); short protein forms S831F, S776F.
Identifiers: ClinVar variation 2783694 (VCV002783694.3), dbSNP rs1299419155, ClinGen allele CA371231828.